The following is an entry in ClinVar:

ClinVar aggregate classification (germline): Benign/Likely benign. Review status: criteria provided, multiple submitters, no conflicts (2 of 4 stars). 5 submissions from 5 submitters: Benign (2); Likely benign (3). Last evaluated 2026-04-06.

Allele frequency attached by ClinVar (database versions not stated): 1000 Genomes Project 30x 0.00031; 1000 Genomes Project 0.00040; gnomAD exomes 0.00091; ExAC 0.00099; gnomAD 0.00108; TOPMed 0.00119; ESP Exome Variant Server 0.00263.
gnomAD v4.1: 2,000 of 1,537,248 alleles (0.13%); highest among the groups gnomAD compares: Non-Finnish European, 0.16%; 2 homozygotes.

Submissions (5):

Women's Health and Genetics/Laboratory Corporation of America, LabCorp
Classification: Likely benign. Last evaluated: 2026-04-06. Review status: criteria provided, single submitter. Criteria: LabCorp Variant Classification Summary - May 2015. Collection method: clinical testing. Allele origin: germline.

Labcorp Genetics (formerly Invitae), Labcorp
Classification: Benign. Last evaluated: 2026-01-15. Review status: criteria provided, single submitter. Criteria: Invitae Variant Classification Sherloc (09022015). Collection method: clinical testing. Allele origin: germline.

Blueprint Genetics
Classification: Likely benign. Last evaluated: 2024-09-07. Review status: criteria provided, single submitter. Criteria: ACMG Guidelines, 2015. Collection method: clinical testing. Allele origin: germline.

CeGaT Center for Human Genetics Tuebingen
Classification: Likely benign. Last evaluated: 2023-11-01. Review status: criteria provided, single submitter. Criteria: CeGaT Center For Human Genetics Tuebingen Variant Classification Criteria Version 2. Collection method: clinical testing. Allele origin: germline. Affected: yes. Observed: 2 variant alleles.
Comment: PIEZO2: BP4, BP7

Breakthrough Genomics
Classification: Benign. Review status: criteria provided, single submitter. Criteria: ACMG Guidelines, 2015. Collection method: not provided. Allele origin: germline. Inheritance: Autosomal recessive inheritance. Affected: yes.

NM_001378183.1(PIEZO2):c.2595G>A (p.Pro865=)

Gene: PIEZO2 (piezo type mechanosensitive ion channel component 2; minus strand). Cytogenetic location: 18p11.22.
Variant type: single nucleotide variant.
Coding change: c.2595G>A on transcript NM_001378183.1 (MANE Select); coding-DNA position 2595, G replaced by A.
Protein change: p.Pro865=; no amino-acid change (proline 865 retained).
Molecular consequence: synonymous variant.
Genome position (GRCh38, 1-based): chr18:10,773,602, C>T on the plus strand (G>A on the coding strand, the complement: PIEZO2 is on the minus strand). VCF-style: chr18-10773602-C-T. GRCh37 (hg19) VCF-style: chr18-10773600-C-T.
Other names: c.2520G>A, p.Pro840= (NM_022068.4).
Identifiers: ClinVar variation 791458 (VCV000791458.35), dbSNP rs372274945, ClinGen allele CA8892633.